The following is an entry in ClinVar:

ClinVar aggregate classification (germline): Likely pathogenic (1 of 4 stars; one submission).

Conditions:
Axenfeld-Rieger syndrome type 3 (RIEG3). Also called: AXENFELD-RIEGER ANOMALY WITH CARDIAC DEFECTS AND/OR SENSORINEURAL HEARING LOSS. Identifiers: Orphanet 782, MedGen C2678503, MONDO:0011233, OMIM 602482.

Submission:

Labcorp Genetics (formerly Invitae), Labcorp
Classification: Likely pathogenic for Axenfeld-Rieger syndrome type 3. Last evaluated: 2024-10-27. Review status: criteria provided, single submitter. Criteria: Invitae Variant Classification Sherloc (09022015). Collection method: clinical testing. Allele origin: germline.
Comment: This sequence change replaces histidine, which is basic and polar, with glutamine, which is neutral and polar, at codon 128 of the FOXC1 protein (p.His128Gln). This variant is not present in population databases (gnomAD no frequency). This variant has not been reported in the literature in individuals affected with FOXC1-related conditions. Invitae Evidence Modeling of protein sequence and biophysical properties (such as structural, functional, and spatial information, amino acid conservation, physicochemical variation, residue mobility, and thermodynamic stability) indicates that this missense variant is expected to disrupt FOXC1 protein function with a positive predictive value of 95%. This variant disrupts the p.His128 amino acid residue in FOXC1. Other variant(s) that disrupt this residue have been determined to be pathogenic (PMID: 18708620, 27804176). This suggests that this residue is clinically significant, and that variants that disrupt this residue are likely to be disease-causing. In summary, the currently available evidence indicates that the variant is pathogenic, but additional data are needed to prove that conclusively. Therefore, this variant has been classified as Likely Pathogenic.

Literature cited by the submitters: PubMed 18708620; PubMed 27804176.

NM_001453.3(FOXC1):c.384C>G (p.His128Gln)

Gene: FOXC1 (forkhead box C1; plus strand). Cytogenetic location: 6p25.3.
Variant type: single nucleotide variant.
Coding change: c.384C>G on transcript NM_001453.3 (MANE Select); coding-DNA position 384, C replaced by G.
Protein change: p.His128Gln; replaces histidine 128 with glutamine.
Molecular consequence: missense variant.
Genome position (GRCh38, 1-based): chr6:1,610,829, C>G. VCF-style: chr6-1610829-C-G. GRCh37 (hg19) VCF-style: chr6-1611064-C-G.
Other names: short protein forms H128Q.
Identifiers: ClinVar variation 3664581 (VCV003664581.2).